The following is an entry in ClinVar:

ClinVar aggregate classification (germline): Likely benign (1 of 4 stars; one submission).

gnomAD v4.1: 18 of 1,611,830 alleles (0.0011%); highest among the groups gnomAD compares: South Asian, 0.0022%; no homozygotes.

Submission:

CeGaT Center for Human Genetics Tuebingen
Classification: Likely benign. Last evaluated: 2025-02-01. Review status: criteria provided, single submitter. Criteria: CeGaT Center For Human Genetics Tuebingen Variant Classification Criteria Version 2. Collection method: clinical testing. Allele origin: germline. Affected: yes. Observed: 1 variant allele.
Comment: ITPR1: BP4, BP7

NM_001378452.1(ITPR1):c.558C>T (p.Pro186=)

Gene: ITPR1 (inositol 1,4,5-trisphosphate receptor type 1; plus strand). Cytogenetic location: 3p26.1.
Variant type: single nucleotide variant.
Coding change: c.558C>T on transcript NM_001378452.1 (MANE Select); coding-DNA position 558, C replaced by T.
Protein change: p.Pro186=; no amino-acid change (proline 186 retained).
Molecular consequence: synonymous variant.
Genome position (GRCh38, 1-based): chr3:4,644,168, C>T. VCF-style: chr3-4644168-C-T. GRCh37 (hg19) VCF-style: chr3-4685852-C-T.
Other names: c.558C>T, p.Pro186= (NM_001099952.4, NM_001168272.2, NM_002222.7).
Identifiers: ClinVar variation 3771925 (VCV003771925.13).
Genomic context (GRCh38, chr3:4,644,168, plus strand): 5'-AAAGCTCTATTGCTCCTTTCCATTCCAGGTGGTCATAGGTGACAAGGTGGTTCTGAACCC[C>T]GTCAATGCTGGTCAGCCCCTACATGCTAGCAGCCATCAACTGGTAGATAACCCAGGCTGC-3'
Protein context (NP_001365381.1, residues 176-196): VVIGDKVVLN[Pro186=]VNAGQPLHAS